The following is an entry in ClinVar:

ClinVar aggregate classification (germline): Conflicting classifications of pathogenicity. Review status: criteria provided, conflicting classifications (1 of 4 stars). 2 submissions from 2 submitters: Uncertain significance (1); Likely benign (1). Last evaluated 2023-05-30.

Conditions:
Seizures, benign familial infantile, 3 (BFIS3). Also called: Familial neonatal seizures; CONVULSIONS, BENIGN FAMILIAL INFANTILE, 3. Identifiers: Orphanet 140927, Orphanet 306, MedGen C1843140, MONDO:0011904, OMIM 607745.
Developmental and epileptic encephalopathy, 11 (DEE11). Also called: Early infantile epileptic encephalopathy 11. Identifiers: Orphanet 1934, MedGen C3150987, MONDO:0013388, OMIM 613721.

Allele frequency attached by ClinVar (database versions not stated): gnomAD exomes below 0.00001; gnomAD 0.00001; TOPMed 0.00002.
gnomAD v4.1: 5 of 1,613,466 alleles (0.00031%); highest among the groups gnomAD compares: Admixed American, 0.0067%; no homozygotes.

Submissions (2):

Labcorp Genetics (formerly Invitae), Labcorp
Classification: Likely benign for Seizures, benign familial infantile, 3; Developmental and epileptic encephalopathy, 11. Last evaluated: 2023-05-30. Review status: criteria provided, single submitter. Criteria: Invitae Variant Classification Sherloc (09022015). Collection method: clinical testing. Allele origin: germline.

GeneDx
Classification: Uncertain significance. Last evaluated: 2017-06-11. Review status: criteria provided, single submitter. Criteria: GeneDx Variant Classification (06012015). Collection method: clinical testing. Allele origin: germline. Affected: yes.
Comment: The V1377L variant in the SCN3A gene has not been reported previously as a pathogenic variant, nor as a benign variant, to our knowledge. The V1377L variant is not observed in large population cohorts (Lek et al., 2016; 1000 Genomes Consortium et al., 2015; Exome Variant Server). The V1377L variant is a conservative amino acid substitution, which is not likely to impact secondary protein structure as these residues share similar properties. This substitution occurs at a position that is not conserved and is located within the repeat III domain (Shi et al., 2012). In silico analysis is inconsistent in its predictions as to whether or not the variant is damaging to the protein structure/function. We interpret V1377L as a variant of uncertain significance.

NM_001040142.2(SCN2A):c.4129G>T (p.Val1377Leu)

Gene: SCN2A (sodium voltage-gated channel alpha subunit 2; plus strand). Cytogenetic location: 2q24.3.
Variant type: single nucleotide variant.
Coding change: c.4129G>T on transcript NM_001040142.2 (MANE Select); coding-DNA position 4129, G replaced by T.
Protein change: p.Val1377Leu; replaces valine 1377 with leucine.
Molecular consequence: missense variant.
Genome position (GRCh38, 1-based): chr2:165,374,841, G>T. VCF-style: chr2-165374841-G-T. GRCh37 (hg19) VCF-style: chr2-166231351-G-T.
Other names: c.4129G>T, p.Val1377Leu (NM_001040143.2, NM_001371246.1, NM_001371247.1 and 1 more transcripts); short protein forms V1377L.
Identifiers: ClinVar variation 432292 (VCV000432292.5), dbSNP rs1407740477, ClinGen allele CA349031043.